The following is an entry in ClinVar:

ClinVar aggregate classification (germline): Pathogenic (1 of 4 stars; one submission).

Conditions:
Albinism or congenital nystagmus.

Submission:

North West Genomic Laboratory Hub, Manchester University NHS Foundation Trust
Classification: Pathogenic for Albinism or congenital nystagmus. Last evaluated: 2025-02-19. Review status: criteria provided, single submitter. Criteria: ACGS Best Practice Guidelines for Variant Classification in Rare Disease 2024. Collection method: clinical testing. Allele origin: germline. Affected: yes.
Comment: PVS1_VStr PM2_Mod

NM_001368894.2(PAX6):c.1115dup (p.Pro373fs)

Gene: PAX6 (paired box 6; minus strand). Cytogenetic location: 11p13.
Variant type: Duplication.
Coding change: c.1115dup on transcript NM_001368894.2 (MANE Select); coding-DNA position 1115, one base duplicated (T; older notation c.1115dupT).
Protein change: p.Pro373fs; shifts the reading frame from proline 373.
Molecular consequence: frameshift variant. On other transcripts: non-coding transcript variant (1), intron variant (9).
Genome position (GRCh38, 1-based): chr11:31,790,820, A duplicated on the plus strand (T on the coding strand, the reverse complement: PAX6 is on the minus strand). VCF-style (leftmost placement, unchanged base first): chr11-31790819-C-CA. GRCh37 (hg19) VCF-style: chr11-31812367-C-CA.
Other names: c.1115dup, p.Pro373fs (NM_001368892.2, NM_001368893.2, NM_001604.6 and 3 more transcripts); c.665dup, p.Pro223fs (NM_001368899.2, NM_001368900.2, NM_001368901.2 and 10 more transcripts); c.1316dup, p.Pro440fs (NM_001368910.2); c.1190dup, p.Pro398fs (NM_001368918.2, NM_001368919.2); c.1148dup, p.Pro384fs (NM_001368920.2); c.914dup, p.Pro306fs (NM_001368922.2, NM_001368923.2, NM_001368924.2 and 3 more transcripts); c.872dup, p.Pro292fs (NM_001368928.2); c.470dup, p.Pro158fs (NM_001368930.2); and 6 more; short protein forms P158fs, P223fs, P292fs, P306fs, P359fs, P373fs, P384fs, P398fs.
Identifiers: ClinVar variation 4820579 (VCV004820579.1).
Genomic context (GRCh38, chr11:31,790,819, plus strand): 5'-CTGCATATGTGGGGGGGTGTAGGTATCATAACTCCGCCCATTCACCGAAGGGCTGGTGGG[C>CA]AGCATGCAGGAGTATGAGGAGGTCTGGCTGGGGACTGGGGGCTGTGAGGAGAGAGGCAAA-3'